The following is an entry in ClinVar:

NM_005045.4(RELN):c.1945A>G (p.Arg649Gly)

Gene: RELN (reelin; minus strand). Cytogenetic location: 7q22.1.
Variant type: single nucleotide variant.
Coding change: c.1945A>G on transcript NM_005045.4 (MANE Select); coding-DNA position 1945, A replaced by G.
Protein change: p.Arg649Gly; replaces arginine 649 with glycine.
Molecular consequence: missense variant.
Genome position (GRCh38, 1-based): chr7:103,650,331, T>C on the plus strand (A>G on the coding strand, the complement: RELN is on the minus strand). VCF-style: chr7-103650331-T-C. GRCh37 (hg19) VCF-style: chr7-103290778-T-C.
Other names: c.1945A>G, p.Arg649Gly (NM_173054.3); short protein forms R649G.
Identifiers: ClinVar variation 2002956 (VCV002002956.4), dbSNP rs2484833695, ClinGen allele CA368764088.

ClinVar aggregate classification (germline): Uncertain significance (1 of 4 stars; one submission).

Conditions:
Norman-Roberts syndrome (LIS2). Also called: Lissencephaly 2 (Norman-Roberts type). Identifiers: Orphanet 89844, MedGen C0796089, MONDO:0009760, OMIM 257320.
Familial temporal lobe epilepsy 7. Identifiers: Orphanet 101046, MedGen C4225327, MONDO:0014639, OMIM 616436.

Allele frequency attached by ClinVar (database versions not stated): gnomAD exomes below 0.00001.
gnomAD v4.1: 1 of 1,613,166 alleles (0.000062%); highest among the groups gnomAD compares: Non-Finnish European, 0.000085%; no homozygotes.

Submission:

Labcorp Genetics (formerly Invitae), Labcorp
Classification: Uncertain significance for Familial temporal lobe epilepsy 7; Norman-Roberts syndrome. Last evaluated: 2022-06-08. Review status: criteria provided, single submitter. Criteria: Invitae Variant Classification Sherloc (09022015). Collection method: clinical testing. Allele origin: germline.
Comment: In summary, the available evidence is currently insufficient to determine the role of this variant in disease. Therefore, it has been classified as a Variant of Uncertain Significance. Algorithms developed to predict the effect of missense changes on protein structure and function are either unavailable or do not agree on the potential impact of this missense change (SIFT: "Deleterious"; PolyPhen-2: "Probably Damaging"; Align-GVGD: "Class C0"). This variant has not been reported in the literature in individuals affected with RELN-related conditions. This variant is not present in population databases (gnomAD no frequency). This sequence change replaces arginine, which is basic and polar, with glycine, which is neutral and non-polar, at codon 649 of the RELN protein (p.Arg649Gly).